The following is an entry in ClinVar:

NM_000969.5(RPL5):c.202C>T (p.Arg68Cys)

Genes: DIPK1A (divergent protein kinase domain 1A; minus strand), RPL5 (ribosomal protein L5; plus strand). Cytogenetic location: 1p22.1.
Variant type: single nucleotide variant.
Coding change: c.202C>T on transcript NM_000969.5 (MANE Select); coding-DNA position 202, C replaced by T.
Protein change: p.Arg68Cys; replaces arginine 68 with cysteine.
Molecular consequence: missense variant. On other transcripts: non-coding transcript variant (1), intron variant (1).
Genome position (GRCh38, 1-based): chr1:92,834,791, C>T. VCF-style: chr1-92834791-C-T. GRCh37 (hg19) VCF-style: chr1-93300348-C-T.
Other names: c.475-1757G>A (NM_001252273.2); short protein forms R68C.
Identifiers: ClinVar variation 298209 (VCV000298209.12), dbSNP rs750383596, ClinGen allele CA952409.

ClinVar aggregate classification (germline): Uncertain significance. Review status: criteria provided, multiple submitters, no conflicts (2 of 4 stars). 3 submissions from 3 submitters: Uncertain significance (3). Last evaluated 2023-08-27.

Conditions:
Diamond-Blackfan anemia. Also called: Blackfan Diamond syndrome; Aregenerative anemia chronic congenital; Red cell aplasia, pure hereditary; Congenital hypoplastic anemia; Aase syndrome. Identifiers: Orphanet 124, MedGen C1260899, MeSH D029503, MONDO:0015253, HP:0004810.
Diamond-Blackfan anemia 6 (DBA6). Also called: RPL5-Related Diamond-Blackfan Anemia. Identifiers: Orphanet 124, MedGen C2931850, MONDO:0012937, OMIM 612561.

Allele frequency attached by ClinVar (database versions not stated): ExAC 0.00001; TOPMed 0.00002; gnomAD exomes 0.00001; gnomAD 0.00001.
gnomAD v4.1: 8 of 1,613,056 alleles (0.0005%); highest among the groups gnomAD compares: African/African-American, 0.004%; no homozygotes.

Submissions (3):

Labcorp Genetics (formerly Invitae), Labcorp
Classification: Uncertain significance for Diamond-Blackfan anemia. Last evaluated: 2023-08-27. Review status: criteria provided, single submitter. Criteria: Invitae Variant Classification Sherloc (09022015). Collection method: clinical testing. Allele origin: germline.
Comment: In summary, the available evidence is currently insufficient to determine the role of this variant in disease. Therefore, it has been classified as a Variant of Uncertain Significance. Advanced modeling of protein sequence and biophysical properties (such as structural, functional, and spatial information, amino acid conservation, physicochemical variation, residue mobility, and thermodynamic stability) performed at Invitae indicates that this missense variant is not expected to disrupt RPL5 protein function. ClinVar contains an entry for this variant (Variation ID: 298209). This variant has not been reported in the literature in individuals affected with RPL5-related conditions. This variant is present in population databases (rs750383596, gnomAD 0.01%). This sequence change replaces arginine, which is basic and polar, with cysteine, which is neutral and slightly polar, at codon 68 of the RPL5 protein (p.Arg68Cys).

Department of Pathology and Laboratory Medicine, Sinai Health System
Classification: Uncertain significance for Diamond-Blackfan anemia 6. Last evaluated: 2022-04-06. Review status: criteria provided, single submitter. Criteria: ACMG Guidelines, 2015. Collection method: research. Allele origin: germline.

Illumina Laboratory Services, Illumina
Classification: Uncertain significance for Diamond-Blackfan anemia 6. Last evaluated: 2018-01-12. Review status: criteria provided, single submitter. Criteria: ICSL Variant Classification Criteria 13 December 2019. Collection method: clinical testing. Allele origin: germline.